The following is an entry in ClinVar:

ClinVar aggregate classification (germline): Conflicting classifications of pathogenicity. Review status: criteria provided, conflicting classifications (1 of 4 stars). 4 submissions from 4 submitters: Uncertain significance (3); Benign (1). Last evaluated 2025-12-03.

Conditions:
Hereditary cancer-predisposing syndrome. Also called: Neoplastic Syndromes, Hereditary; Tumor predisposition; Hereditary Cancer Syndrome; Hereditary neoplastic syndrome. Identifiers: Orphanet 140162, MedGen C0027672, MeSH D009386, MONDO:0015356.
BAP1-related tumor predisposition syndrome (TPDS1). Also called: Tumor susceptibility linked to germline BAP1 mutations; BAP1 tumor predisposition syndrome; COMMON Syndrome; TUMOR PREDISPOSITION SYNDROME 1. Identifiers: Orphanet 289539, MedGen C3280492, MONDO:0013692, OMIM 614327.

Allele frequency attached by ClinVar (database versions not stated): gnomAD exomes below 0.00001.
gnomAD v4.1: 3 of 1,614,166 alleles (0.00019%); highest among the groups gnomAD compares: Non-Finnish European, 0.00025%; no homozygotes.

Submissions (4):

Labcorp Genetics (formerly Invitae), Labcorp
Classification: Uncertain significance for BAP1-related tumor predisposition syndrome. Last evaluated: 2025-12-03. Review status: criteria provided, single submitter. Criteria: Invitae Variant Classification Sherloc (09022015). Collection method: clinical testing. Allele origin: germline.
Comment: This sequence change replaces glutamine, which is neutral and polar, with arginine, which is basic and polar, at codon 593 of the BAP1 protein (p.Gln593Arg). This variant is not present in population databases (gnomAD no frequency). This variant has not been reported in the literature in individuals affected with BAP1-related conditions. ClinVar contains an entry for this variant (Variation ID: 485292). Invitae Evidence Modeling of protein sequence and biophysical properties (such as structural, functional, and spatial information, amino acid conservation, physicochemical variation, residue mobility, and thermodynamic stability) indicates that this missense variant is not expected to disrupt BAP1 protein function with a negative predictive value of 80%. In summary, the available evidence is currently insufficient to determine the role of this variant in disease. Therefore, it has been classified as a Variant of Uncertain Significance.

Ambry Genetics
Classification: Benign for Hereditary cancer-predisposing syndrome. Last evaluated: 2025-04-15. Review status: criteria provided, single submitter. Criteria: Ambry Variant Classification Scheme 2023. Collection method: clinical testing. Allele origin: germline.

Color Diagnostics, LLC DBA Color Health
Classification: Uncertain significance for Hereditary cancer-predisposing syndrome. Last evaluated: 2024-03-06. Review status: criteria provided, single submitter. Criteria: ACMG Guidelines, 2015. Collection method: clinical testing. Allele origin: germline.
Comment: This missense variant replaces glutamine with arginine at codon 593 of the BAP1 protein. Computational prediction suggests that this variant may not impact protein structure and function (internally defined REVEL score threshold <= 0.5, PMID: 27666373). To our knowledge, functional studies have not been reported for this variant. This variant has not been reported in individuals affected with hereditary cancer in the literature. This variant has not been identified in the general population by the Genome Aggregation Database (gnomAD). The available evidence is insufficient to determine the role of this variant in disease conclusively. Therefore, this variant is classified as a Variant of Uncertain Significance.

GeneDx
Classification: Uncertain significance. Last evaluated: 2023-01-26. Review status: criteria provided, single submitter. Criteria: GeneDx Variant Classification Process June 2021. Collection method: clinical testing. Allele origin: germline. Affected: yes.
Comment: Not observed at significant frequency in large population cohorts (gnomAD); In silico analysis supports that this missense variant does not alter protein structure/function; Has not been previously published as pathogenic or benign to our knowledge

NM_004656.4(BAP1):c.1778A>G (p.Gln593Arg)

Gene: BAP1 (BRCA1 associated deubiquitinase 1; minus strand). Cytogenetic location: 3p21.1.
Variant type: single nucleotide variant.
Coding change: c.1778A>G on transcript NM_004656.4 (MANE Select); coding-DNA position 1778, A replaced by G.
Protein change: p.Gln593Arg; replaces glutamine 593 with arginine.
Molecular consequence: missense variant.
Genome position (GRCh38, 1-based): chr3:52,403,250, T>C on the plus strand (A>G on the coding strand, the complement: BAP1 is on the minus strand). VCF-style: chr3-52403250-T-C. GRCh37 (hg19) VCF-style: chr3-52437266-T-C.
Other names: c.1778A>G (LRG_529t1); short protein forms Q593R.
Identifiers: ClinVar variation 485292 (VCV000485292.15), dbSNP rs1553644733, ClinGen allele CA353098947.